The following is an entry in ClinVar:

ClinVar aggregate classification (germline): Uncertain significance (1 of 4 stars; one submission).

Submission:

Labcorp Genetics (formerly Invitae), Labcorp
Classification: Uncertain significance. Last evaluated: 2021-07-09. Review status: criteria provided, single submitter. Criteria: Invitae Variant Classification Sherloc (09022015). Collection method: clinical testing. Allele origin: germline.
Comment: In summary, the available evidence is currently insufficient to determine the role of this variant in disease. Therefore, it has been classified as a Variant of Uncertain Significance. This sequence change replaces leucine with valine at codon 1034 of the SAMD9 protein (p.Leu1034Val). The leucine residue is moderately conserved and there is a small physicochemical difference between leucine and valine. This variant is not present in population databases (ExAC no frequency). This variant has not been reported in the literature in individuals affected with SAMD9-related conditions. Algorithms developed to predict the effect of missense changes on protein structure and function are either unavailable or do not agree on the potential impact of this missense change (SIFT: "Deleterious"; PolyPhen-2: "Possibly Damaging"; Align-GVGD: "Class C0").

NM_017654.4(SAMD9):c.3100C>G (p.Leu1034Val)

Gene: SAMD9 (sterile alpha motif domain containing 9; minus strand). Cytogenetic location: 7q21.2.
Variant type: single nucleotide variant.
Coding change: c.3100C>G on transcript NM_017654.4 (MANE Select); coding-DNA position 3100, C replaced by G.
Protein change: p.Leu1034Val; replaces leucine 1034 with valine.
Molecular consequence: missense variant.
Genome position (GRCh38, 1-based): chr7:93,102,998, G>C on the plus strand (C>G on the coding strand, the complement: SAMD9 is on the minus strand). VCF-style: chr7-93102998-G-C. GRCh37 (hg19) VCF-style: chr7-92732311-G-C.
Other names: c.3100C>G, p.Leu1034Val (NM_001193307.2); short protein forms L1034V.
Identifiers: ClinVar variation 1366547 (VCV001366547.8), dbSNP rs1490656723, ClinGen allele CA368188823.